The following is an entry in ClinVar:

NM_001384474.1(LOXHD1):c.6565G>A (p.Glu2189Lys)

Gene: LOXHD1 (lipoxygenase homology PLAT domains 1; minus strand). Cytogenetic location: 18q21.1.
Variant type: single nucleotide variant.
Coding change: c.6565G>A on transcript NM_001384474.1 (MANE Select); coding-DNA position 6565, G replaced by A.
Protein change: p.Glu2189Lys; replaces glutamic acid 2189 with lysine.
Molecular consequence: missense variant.
Genome position (GRCh38, 1-based): chr18:46,477,729, C>T on the plus strand (G>A on the coding strand, the complement: LOXHD1 is on the minus strand). VCF-style: chr18-46477729-C-T. GRCh37 (hg19) VCF-style: chr18-44057692-C-T.
Other names: c.3232G>A, p.Glu1078Lys (NM_001145472.3); c.1282G>A, p.Glu428Lys (NM_001145473.3, NM_001173129.2); c.2944G>A, p.Glu982Lys (NM_001308013.2); c.6379G>A, p.Glu2127Lys (NM_144612.7); c.6379G>A (NM_144612.6); short protein forms E428K, E2127K, E1078K, E2189K, E982K.
Identifiers: ClinVar variation 1414695 (VCV001414695.6), dbSNP rs1054650272, ClinGen allele CA299792333.

ClinVar aggregate classification (germline): Uncertain significance. Review status: criteria provided, multiple submitters, no conflicts (2 of 4 stars). 2 submissions from 2 submitters: Uncertain significance (2). Last evaluated 2024-12-17.

Conditions:
Inborn genetic diseases. Identifiers: MedGen C0950123, MeSH D030342.

Allele frequency attached by ClinVar (database versions not stated): gnomAD exomes below 0.00001; gnomAD 0.00001.
gnomAD v4.1: 3 of 1,551,822 alleles (0.00019%); highest among the groups gnomAD compares: Admixed American, 0.0039%; no homozygotes.

Submissions (2):

Ambry Genetics
Classification: Uncertain significance for Inborn genetic diseases. Last evaluated: 2024-12-17. Review status: criteria provided, single submitter. Criteria: Ambry Variant Classification Scheme 2023. Collection method: clinical testing. Allele origin: germline.

Labcorp Genetics (formerly Invitae), Labcorp
Classification: Uncertain significance. Last evaluated: 2021-08-24. Review status: criteria provided, single submitter. Criteria: Invitae Variant Classification Sherloc (09022015). Collection method: clinical testing. Allele origin: germline.
Comment: This sequence change replaces glutamic acid with lysine at codon 2127 of the LOXHD1 protein (p.Glu2127Lys). The glutamic acid residue is weakly conserved and there is a small physicochemical difference between glutamic acid and lysine. This variant is not present in population databases (ExAC no frequency). This variant has not been reported in the literature in individuals affected with LOXHD1-related conditions. Algorithms developed to predict the effect of missense changes on protein structure and function (SIFT, PolyPhen-2, Align-GVGD) all suggest that this variant is likely to be tolerated. In summary, the available evidence is currently insufficient to determine the role of this variant in disease. Therefore, it has been classified as a Variant of Uncertain Significance.